The following is an entry in ClinVar:

ClinVar aggregate classification (germline): Uncertain significance. Review status: criteria provided, multiple submitters, no conflicts (2 of 4 stars). 4 submissions from 4 submitters: Uncertain significance (4). Last evaluated 2024-12-14.

Conditions:
Fanconi anemia complementation group E (FANCE). Also called: FANCE-Related Fanconi Anemia. Identifiers: Orphanet 84, MedGen C3160739, MONDO:0010953, OMIM 600901.

Submissions (4):

Labcorp Genetics (formerly Invitae), Labcorp
Classification: Uncertain significance for Fanconi anemia complementation group E. Last evaluated: 2024-12-14. Review status: criteria provided, single submitter. Criteria: Invitae Variant Classification Sherloc (09022015). Collection method: clinical testing. Allele origin: germline.
Comment: This sequence change replaces glutamic acid, which is acidic and polar, with aspartic acid, which is acidic and polar, at codon 12 of the FANCE protein (p.Glu12Asp). The frequency data for this variant in the population databases is considered unreliable, as metrics indicate poor data quality at this position in the gnomAD database. This variant has not been reported in the literature in individuals affected with FANCE-related conditions. ClinVar contains an entry for this variant (Variation ID: 1723603). An algorithm developed to predict the effect of missense changes on protein structure and function (PolyPhen-2) suggests that this variant¬†is likely to be tolerated. In summary, the available evidence is currently insufficient to determine the role of this variant in disease. Therefore, it has been classified as a Variant of Uncertain Significance.

Fulgent Genetics
Classification: Uncertain significance for Fanconi anemia complementation group E. Last evaluated: 2024-02-07. Review status: criteria provided, single submitter. Criteria: ACMG Guidelines, 2015. Collection method: clinical testing. Allele origin: germline.

GeneDx
Classification: Uncertain significance. Last evaluated: 2022-05-13. Review status: criteria provided, single submitter. Criteria: GeneDx Variant Classification Process June 2021. Collection method: clinical testing. Allele origin: germline. Affected: yes.
Comment: Not observed at significant frequency in large population cohorts (gnomAD); In silico analysis supports that this missense variant does not alter protein structure/function; Has not been previously published as pathogenic or benign to our knowledge

Blueprint Genetics
Classification: Uncertain significance. Last evaluated: 2020-10-23. Review status: criteria provided, single submitter. Criteria: ACMG Guidelines, 2015. Collection method: clinical testing. Allele origin: germline.

NM_021922.3(FANCE):c.36G>T (p.Glu12Asp)

Genes: FANCE (FA complementation group E; plus strand), LOC129996245 (ATAC-STARR-seq lymphoblastoid silent region 17092; plus strand). Cytogenetic location: 6p21.31.
Variant type: single nucleotide variant.
Coding change: c.36G>T on transcript NM_021922.3 (MANE Select); coding-DNA position 36, G replaced by T.
Protein change: p.Glu12Asp; replaces glutamic acid 12 with aspartic acid.
Molecular consequence: missense variant.
Genome position (GRCh38, 1-based): chr6:35,452,581, G>T. VCF-style: chr6-35452581-G-T. GRCh37 (hg19) VCF-style: chr6-35420358-G-T.
Other names: c.36G>T, p.Glu12Asp (NM_001410876.1); short protein forms E12D.
Identifiers: ClinVar variation 1723603 (VCV001723603.8), dbSNP rs920612685, ClinGen allele CA137292266.